The following is an entry in ClinVar:

NM_002691.4(POLD1):c.954G>A (p.Glu318=)

Gene: POLD1 (DNA polymerase delta 1, catalytic subunit; plus strand). Cytogenetic location: 19q13.33.
Variant type: single nucleotide variant.
Coding change: c.954G>A on transcript NM_002691.4 (MANE Select); coding-DNA position 954, G replaced by A.
Protein change: p.Glu318=; no amino-acid change (glutamic acid 318 retained).
Molecular consequence: synonymous variant. On other transcripts: non-coding transcript variant (1).
Genome position (GRCh38, 1-based): chr19:50,402,725, G>A. VCF-style: chr19-50402725-G-A. GRCh37 (hg19) VCF-style: chr19-50905982-G-A.
Other names: c.954G>A (NM_002691.2); c.954G>A, p.Glu318= (NM_001256849.1, NM_001308632.1).
Identifiers: ClinVar variation 1115670 (VCV001115670.11), dbSNP rs2122260360, ClinGen allele CA508182162.

ClinVar aggregate classification (germline): Benign/Likely benign. Review status: criteria provided, multiple submitters, no conflicts (2 of 4 stars). 3 submissions from 3 submitters: Benign (1); Likely benign (2). Last evaluated 2025-02-05.

Conditions:
POLD1-related polyposis and colorectal cancer syndrome (CRCS10). Also called: Colorectal cancer, susceptibility to, 10; Colorectal cancer 10; COLORECTAL CANCER, SUSCEPTIBILITY TO, ON CHROMOSOME 19q. Identifiers: Orphanet 220460, MedGen C2675481, MONDO:0012953, OMIM 612591.
Hereditary cancer-predisposing syndrome. Also called: Hereditary neoplastic syndrome; Neoplastic Syndromes, Hereditary; Tumor predisposition; Hereditary Cancer Syndrome. Identifiers: Orphanet 140162, MedGen C0027672, MeSH D009386, MONDO:0015356.

Submissions (3):

Myriad Genetics, Inc.
Classification: Benign for POLD1-related polyposis and colorectal cancer syndrome. Last evaluated: 2025-02-05. Review status: criteria provided, single submitter. Criteria: Myriad Autosomal Dominant, Autosomal Recessive and X-Linked Classification Criteria (2023). Collection method: clinical testing. Allele origin: unknown.
Comment: This variant is considered benign. This variant is a silent/synonymous amino acid change and it is not expected to impact splicing.

Ambry Genetics
Classification: Likely benign for Hereditary cancer-predisposing syndrome. Last evaluated: 2023-01-26. Review status: criteria provided, single submitter. Criteria: Ambry Variant Classification Scheme 2023. Collection method: clinical testing. Allele origin: germline.

Labcorp Genetics (formerly Invitae), Labcorp
Classification: Likely benign for POLD1-related polyposis and colorectal cancer syndrome. Last evaluated: 2019-11-28. Review status: criteria provided, single submitter. Criteria: Invitae Variant Classification Sherloc (09022015). Collection method: clinical testing. Allele origin: germline.